The following is an entry in ClinVar:

ClinVar aggregate classification (germline): Pathogenic. Review status: criteria provided, multiple submitters, no conflicts (2 of 4 stars). 2 submissions from 2 submitters: Pathogenic (2). Last evaluated 2026-01-30.

Conditions:
Glycogen storage disease. Also called: Disorder of glycogen metabolism; glycogen storage disorder. Identifiers: Orphanet 79201, MedGen C0017919, MONDO:0002412.
Glycogen storage disease, type II (IOPD). Also called: Pompe Disease; POMPE DISEASE, INFANTILE-ONSET; GLYCOGEN STORAGE DISEASE II, INFANTILE-ONSET; ACID ALPHA-GLUCOSIDASE DEFICIENCY, INFANTILE-ONSET; GAA DEFICIENCY, INFANTILE-ONSET; ACID MALTASE DEFICIENCY, INFANTILE-ONSET. Identifiers: Orphanet 365, MedGen C0017921, MONDO:0009290, OMIM 232300.

Submissions (2):

Genetics Laboratory, Great Ormond Street Hospital NHS Foundation Trust, North Thames Genomic Laboratory Hub
Classification: Pathogenic for Glycogen storage disease. Last evaluated: 2026-01-30. Review status: criteria provided, single submitter. Criteria: ACGS Best Practice Guidelines for Variant Classification in Rare Disease 2024 v1.2. Collection method: clinical testing. Allele origin: germline. Affected: yes.
Comment: PM2_moderate, PVS1_very-strong

Labcorp Genetics (formerly Invitae), Labcorp
Classification: Pathogenic for Glycogen storage disease, type II. Last evaluated: 2025-12-24. Review status: criteria provided, single submitter. Criteria: Invitae Variant Classification Sherloc (09022015). Collection method: clinical testing. Allele origin: germline.
Comment: This sequence change creates a premature translational stop signal (p.Tyr543Thrfs*35) in the GAA gene. It is expected to result in an absent or disrupted protein product. Loss-of-function variants in GAA are known to be pathogenic (PMID: 18425781, 22252923). This variant is not present in population databases (gnomAD no frequency). This variant has not been reported in the literature in individuals affected with GAA-related conditions. ClinVar contains an entry for this variant (Variation ID: 3637873). For these reasons, this variant has been classified as Pathogenic.

Literature cited by the submitters: PubMed 18425781 (cited by Labcorp Genetics (formerly Invitae), Labcorp); PubMed 22252923 (cited by Labcorp Genetics (formerly Invitae), Labcorp).

NM_000152.5(GAA):c.1626del (p.Tyr543fs)

Gene: GAA (alpha glucosidase; plus strand). Cytogenetic location: 17q25.3.
Variant type: Deletion.
Coding change: c.1626del on transcript NM_000152.5 (MANE Select); coding-DNA position 1626, one base deleted (C; older notation c.1626delC).
Protein change: p.Tyr543fs; shifts the reading frame from tyrosine 543.
Molecular consequence: frameshift variant.
Genome position (GRCh38, 1-based): chr17:80,111,015, C deleted; the last of 3 consecutive C bases (chr17:80,111,013-80,111,015); deleting any one gives the same sequence. VCF-style (leftmost placement, unchanged base first): chr17-80111012-AC-A. GRCh37 (hg19) VCF-style: chr17-78084811-AC-A.
Other names: c.1626del, p.Tyr543fs (NM_001079803.3, NM_001079804.3, NM_001406741.1 and 1 more transcripts); short protein forms Y543fs.
Identifiers: ClinVar variation 3637873 (VCV003637873.3).